The following is an entry in ClinVar:

ClinVar aggregate classification (germline): Likely pathogenic (0 of 4 stars; one submission).

Conditions:
MSX1-related disorder. Also called: MSX1-related condition.

Submission:

PreventionGenetics, part of Exact Sciences
Classification: Likely pathogenic for MSX1-related condition. Last evaluated: 2024-02-20. Review status: no assertion criteria provided. Collection method: clinical testing. Allele origin: germline.
Comment: The MSX1 c.547C>T variant is predicted to result in premature protein termination (p.Gln183*). To our knowledge, this variant has not been reported in the literature or in a large population database, indicating this variant is rare. Nonsense variants in MSX1 are expected to be pathogenic. This variant is interpreted as likely pathogenic.

NM_002448.3(MSX1):c.547C>T (p.Gln183Ter)

Gene: MSX1 (msh homeobox 1; plus strand). Cytogenetic location: 4p16.2.
Variant type: single nucleotide variant.
Coding change: c.547C>T on transcript NM_002448.3 (MANE Select); coding-DNA position 547, C replaced by T.
Protein change: p.Gln183Ter; replaces glutamine 183 with a stop codon.
Molecular consequence: nonsense.
Genome position (GRCh38, 1-based): chr4:4,862,778, C>T. VCF-style: chr4-4862778-C-T. GRCh37 (hg19) VCF-style: chr4-4864505-C-T.
Other names: short protein forms Q183*.
Identifiers: ClinVar variation 3061414 (VCV003061414.2), dbSNP rs2474113971, ClinGen allele CA356138338.
Genomic context (GRCh38, chr4:4,862,778, plus strand): 5'-GCCTGCACCCTCCGCAAACACAAGACGAACCGTAAGCCGCGGACGCCCTTCACCACCGCG[C>T]AGCTGCTGGCGCTGGAGCGCAAGTTCCGCCAGAAGCAGTACCTGTCCATCGCCGAGCGCG-3'